The following is an entry in ClinVar:

ClinVar aggregate classification (germline): Uncertain significance (1 of 4 stars; one submission).

Allele frequency attached by ClinVar (database versions not stated): gnomAD exomes below 0.00001; TOPMed 0.00002; gnomAD 0.00004 and 0.00003.
gnomAD v4.1: 7 of 1,612,484 alleles (0.00043%); highest among the groups gnomAD compares: African/African-American, 0.0067%; no homozygotes.

Submission:

Labcorp Genetics (formerly Invitae), Labcorp
Classification: Uncertain significance. Last evaluated: 2025-02-03. Review status: criteria provided, single submitter. Criteria: Invitae Variant Classification Sherloc (09022015). Collection method: clinical testing. Allele origin: germline.
Comment: This sequence change replaces isoleucine, which is neutral and non-polar, with valine, which is neutral and non-polar, at codon 659 of the ASPM protein (p.Ile659Val). This variant is present in population databases (no rsID available, gnomAD 0.02%). This variant has not been reported in the literature in individuals affected with ASPM-related conditions. ClinVar contains an entry for this variant (Variation ID: 1494836). Invitae Evidence Modeling of protein sequence and biophysical properties (such as structural, functional, and spatial information, amino acid conservation, physicochemical variation, residue mobility, and thermodynamic stability) indicates that this missense variant is not expected to disrupt ASPM protein function with a negative predictive value of 80%. In summary, the available evidence is currently insufficient to determine the role of this variant in disease. Therefore, it has been classified as a Variant of Uncertain Significance.

NM_018136.5(ASPM):c.1975A>G (p.Ile659Val)

Gene: ASPM (assembly factor for spindle microtubules; minus strand). Cytogenetic location: 1q31.3.
Variant type: single nucleotide variant.
Coding change: c.1975A>G on transcript NM_018136.5 (MANE Select); coding-DNA position 1975, A replaced by G.
Protein change: p.Ile659Val; replaces isoleucine 659 with valine.
Molecular consequence: missense variant.
Genome position (GRCh38, 1-based): chr1:197,139,818, T>C on the plus strand (A>G on the coding strand, the complement: ASPM is on the minus strand). VCF-style: chr1-197139818-T-C. GRCh37 (hg19) VCF-style: chr1-197108948-T-C.
Other names: c.1975A>G, p.Ile659Val (NM_001206846.2); short protein forms I659V.
Identifiers: ClinVar variation 1494836 (VCV001494836.6), dbSNP rs1420934117, ClinGen allele CA344011774.